The following is an entry in ClinVar:

ClinVar aggregate classification (germline): Uncertain significance (1 of 4 stars; one submission).

Submission:

Labcorp Genetics (formerly Invitae), Labcorp
Classification: Uncertain significance. Last evaluated: 2023-04-27. Review status: criteria provided, single submitter. Criteria: Invitae Variant Classification Sherloc (09022015). Collection method: clinical testing. Allele origin: germline.
Comment: This variant has not been reported in the literature in individuals affected with IGSF10-related conditions. This variant is not present in population databases (gnomAD no frequency). This sequence change replaces asparagine, which is neutral and polar, with isoleucine, which is neutral and non-polar, at codon 2101 of the IGSF10 protein (p.Asn2101Ile). An algorithm developed to predict the effect of missense changes on protein structure and function (PolyPhen-2) suggests that this variant is likely to be disruptive. In summary, the available evidence is currently insufficient to determine the role of this variant in disease. Therefore, it has been classified as a Variant of Uncertain Significance.

NM_178822.5(IGSF10):c.6302A>T (p.Asn2101Ile)

Gene: IGSF10 (immunoglobulin superfamily member 10; minus strand). Cytogenetic location: 3q25.1.
Variant type: single nucleotide variant.
Coding change: c.6302A>T on transcript NM_178822.5 (MANE Select); coding-DNA position 6302, A replaced by T.
Protein change: p.Asn2101Ile; replaces asparagine 2101 with isoleucine.
Molecular consequence: missense variant.
Genome position (GRCh38, 1-based): chr3:151,438,259, T>A on the plus strand (A>T on the coding strand, the complement: IGSF10 is on the minus strand). VCF-style: chr3-151438259-T-A. GRCh37 (hg19) VCF-style: chr3-151156047-T-A.
Other names: c.239A>T, p.Asn80Ile (NM_001178145.3, NM_001178146.3); c.6302A>T, p.Asn2101Ile (NM_001385060.1, NM_001385061.1, NM_001385062.1 and 1 more transcripts); short protein forms N2101I, N80I.
Identifiers: ClinVar variation 2859841 (VCV002859841.3), dbSNP rs1241881004, ClinGen allele CA354991658.